The following is an entry in ClinVar:

ClinVar aggregate classification (germline): Pathogenic (1 of 4 stars; one submission).

Conditions:
Myofibrillar myopathy 5. Also called: Filaminopathy (type); FILAMINOPATHY, AUTOSOMAL DOMINANT. Identifiers: Orphanet 171445, MedGen C1836050, MONDO:0012289, OMIM 609524.
Distal myopathy with posterior leg and anterior hand involvement. Also called: WILLIAMS DISTAL MYOPATHY. Identifiers: Orphanet 63273, MedGen C3279722, MONDO:0013550, OMIM 614065.
Hypertrophic cardiomyopathy 26. Also called: Cardiomyopathy, familial hypertrophic, 26. Identifiers: Orphanet 75249, MedGen C4310749, MONDO:0014883, OMIM 617047.

Submission:

Labcorp Genetics (formerly Invitae), Labcorp
Classification: Pathogenic for Distal myopathy with posterior leg and anterior hand involvement; Myofibrillar myopathy 5; Hypertrophic cardiomyopathy 26. Last evaluated: 2020-08-17. Review status: criteria provided, single submitter. Criteria: Invitae Variant Classification Sherloc (09022015). Collection method: clinical testing. Allele origin: germline.
Comment: Loss-of-function variants in FLNC are known to be pathogenic (PMID: 27908349). This variant has not been reported in the literature in individuals with FLNC-related conditions. This variant is not present in population databases (ExAC no frequency). This sequence change creates a premature translational stop signal (p.Lys1586Argfs*21) in the FLNC gene. It is expected to result in an absent or disrupted protein product. For these reasons, this variant has been classified as Pathogenic.

Literature cited by the submitters: PubMed 27908349.

NM_001458.5(FLNC):c.4755del (p.Lys1586fs)

Gene: FLNC (filamin C; plus strand). Cytogenetic location: 7q32.1.
Variant type: Deletion.
Coding change: c.4755del on transcript NM_001458.5 (MANE Select); coding-DNA position 4755, one base deleted (C; older notation c.4755delC).
Protein change: p.Lys1586fs; shifts the reading frame from lysine 1586.
Molecular consequence: frameshift variant.
Genome position (GRCh38, 1-based): chr7:128,848,810, C deleted; the last of 3 consecutive C bases (chr7:128,848,808-128,848,810); deleting any one gives the same sequence. VCF-style (leftmost placement, unchanged base first): chr7-128848807-GC-G. GRCh37 (hg19) VCF-style: chr7-128488861-GC-G.
Other names: c.4755del, p.Lys1586fs (NM_001127487.2); short protein forms K1586fs.
Identifiers: ClinVar variation 1070575 (VCV001070575.7), dbSNP rs2128937622, ClinGen allele CA2499218741.